The following is an entry in ClinVar:

ClinVar aggregate classification (germline): Uncertain significance (1 of 4 stars; one submission).

Conditions:
Neuropathy, hereditary sensory, type 1F. Also called: HSN IF; Hereditary sensory neuropathy type IF. Identifiers: Orphanet 36386, MedGen C3810194, MONDO:0014286, OMIM 615632.

Allele frequency attached by ClinVar (database versions not stated): gnomAD exomes below 0.00001.
gnomAD v4.1: 2 of 1,610,438 alleles (0.00012%); highest among the groups gnomAD compares: South Asian, 0.0022%; no homozygotes.

Submission:

Labcorp Genetics (formerly Invitae), Labcorp
Classification: Uncertain significance for Neuropathy, hereditary sensory, type 1F. Last evaluated: 2023-08-02. Review status: criteria provided, single submitter. Criteria: Invitae Variant Classification Sherloc (09022015). Collection method: clinical testing. Allele origin: germline.
Comment: This variant has not been reported in the literature in individuals affected with ATL3-related conditions. This sequence change creates a premature translational stop signal (p.Gln242*) in the ATL3 gene. It is expected to result in an absent or disrupted protein product. However, the current clinical and genetic evidence is not sufficient to establish whether loss-of-function variants in ATL3 cause disease. This variant is present in population databases (no rsID available, gnomAD 0.003%). In summary, the available evidence is currently insufficient to determine the role of this variant in disease. Therefore, it has been classified as a Variant of Uncertain Significance.

NM_015459.5(ATL3):c.724C>T (p.Gln242Ter)

Genes: ATL3 (atlastin GTPase 3; minus strand), LNCROPM (lncRNA regulator of PLAAT3 mediated phospholipid metabolism; plus strand). Cytogenetic location: 11q13.1.
Variant type: single nucleotide variant.
Coding change: c.724C>T on transcript NM_015459.5 (MANE Select); coding-DNA position 724, C replaced by T.
Protein change: p.Gln242Ter; replaces glutamine 242 with a stop codon.
Molecular consequence: nonsense.
Genome position (GRCh38, 1-based): chr11:63,643,483, G>A on the plus strand (C>T on the coding strand, the complement: ATL3 is on the minus strand). VCF-style: chr11-63643483-G-A. GRCh37 (hg19) VCF-style: chr11-63410955-G-A.
Other names: c.670C>T, p.Gln224Ter (NM_001290048.2); short protein forms Q242*, Q224*.
Identifiers: ClinVar variation 2897715 (VCV002897715.3), dbSNP rs1297896257, ClinGen allele CA381024466.